The following is an entry in ClinVar:

NM_001354930.2(RIPK1):c.424_429dup (p.Asn143_Ile144insGluAsn)

Gene: RIPK1 (receptor interacting serine/threonine kinase 1; plus strand). Cytogenetic location: 6p25.2.
Variant type: Duplication.
Coding change: c.424_429dup on transcript NM_001354930.2 (MANE Select); coding-DNA positions 424 to 429, 6 bases duplicated (GAAAAT; older notation c.424_429dupGAAAAT).
Protein change: p.Asn143_Ile144insGluAsn.
Molecular consequence: inframe insertion. On other transcripts: 5 prime UTR variant (4), intron variant (1).
Genome position (GRCh38, 1-based): chr6:3,081,081-3,081,086, GAAAAT duplicated; duplicating any 6 consecutive bases within chr6:3,081,080-3,081,086 gives the same sequence; the c. name uses the placement nearest the transcript's 3' end. VCF-style (leftmost placement, unchanged base first): chr6-3081079-C-CTGAAAA. GRCh37 (hg19) VCF-style: chr6-3081313-C-CTGAAAA.
Other names: c.-180_-175dup (NM_001317061.3, NM_001354932.2, NM_001354933.2 and 1 more transcripts); c.424_429dup, p.Asn143_Ile144insGluAsn (NM_003804.6); c.322-2004_322-1999dup (NM_001354931.2).
Identifiers: ClinVar variation 2021377 (VCV002021377.4), dbSNP rs2533182611, ClinGen allele CA2580074195.

ClinVar aggregate classification (germline): Uncertain significance (1 of 4 stars; one submission).

Submission:

Labcorp Genetics (formerly Invitae), Labcorp
Classification: Uncertain significance. Last evaluated: 2022-10-23. Review status: criteria provided, single submitter. Criteria: Invitae Variant Classification Sherloc (09022015). Collection method: clinical testing. Allele origin: germline.
Comment: In summary, the available evidence is currently insufficient to determine the role of this variant in disease. Therefore, it has been classified as a Variant of Uncertain Significance. This variant has not been reported in the literature in individuals affected with RIPK1-related conditions. This variant is not present in population databases (gnomAD no frequency). This variant, c.424_429dup, results in the insertion of 2 amino acid(s) of the RIPK1 protein (p.Glu142_Asn143dup), but otherwise preserves the integrity of the reading frame.